The following is an entry in ClinVar:

ClinVar aggregate classification (germline): Uncertain significance. Review status: criteria provided, multiple submitters, no conflicts (2 of 4 stars). 2 submissions from 2 submitters: Uncertain significance (2). Last evaluated 2022-01-28.

Conditions:
Mitochondrial DNA depletion syndrome 13. Also called: Mitochondrial DNA depletion syndrome 13 (encephalomyopathic type); FBXL4-Related Encephalomyopathic Mitochondrial DNA Depletion Syndrome. Identifiers: Orphanet 369897, MedGen C3809592, MONDO:0014198, OMIM 615471.

Submissions (2):

Fulgent Genetics
Classification: Uncertain significance for Mitochondrial DNA depletion syndrome 13. Last evaluated: 2022-01-28. Review status: criteria provided, single submitter. Criteria: ACMG Guidelines, 2015. Collection method: clinical testing. Allele origin: unknown.

Labcorp Genetics (formerly Invitae), Labcorp
Classification: Uncertain significance. Last evaluated: 2021-12-02. Review status: criteria provided, single submitter. Criteria: Invitae Variant Classification Sherloc (09022015). Collection method: clinical testing. Allele origin: germline.
Comment: In summary, the available evidence is currently insufficient to determine the role of this variant in disease. Therefore, it has been classified as a Variant of Uncertain Significance. Advanced modeling of protein sequence and biophysical properties (such as structural, functional, and spatial information, amino acid conservation, physicochemical variation, residue mobility, and thermodynamic stability) performed at Invitae indicates that this missense variant is expected to disrupt FBXL4 protein function. This variant has not been reported in the literature in individuals affected with FBXL4-related conditions. This variant is not present in population databases (gnomAD no frequency). This sequence change replaces leucine, which is neutral and non-polar, with proline, which is neutral and non-polar, at codon 310 of the FBXL4 protein (p.Leu310Pro).

NM_001278716.2(FBXL4):c.929T>C (p.Leu310Pro)

Gene: FBXL4 (F-box and leucine rich repeat protein 4; minus strand). Cytogenetic location: 6q16.2.
Variant type: single nucleotide variant.
Coding change: c.929T>C on transcript NM_001278716.2 (MANE Select); coding-DNA position 929, T replaced by C.
Protein change: p.Leu310Pro; replaces leucine 310 with proline.
Molecular consequence: missense variant. On other transcripts: non-coding transcript variant (2).
Genome position (GRCh38, 1-based): chr6:98,905,600, A>G on the plus strand (T>C on the coding strand, the complement: FBXL4 is on the minus strand). VCF-style: chr6-98905600-A-G. GRCh37 (hg19) VCF-style: chr6-99353476-A-G.
Other names: c.929T>C, p.Leu310Pro (NM_012160.5); short protein forms L310P.
Identifiers: ClinVar variation 1445335 (VCV001445335.7), dbSNP rs2128393288, ClinGen allele CA365096799.